The following is an entry in ClinVar:

NM_001458.5(FLNC):c.15C>A (p.Ser5Arg)

Gene: FLNC (filamin C; plus strand). Cytogenetic location: 7q32.1.
Variant type: single nucleotide variant.
Coding change: c.15C>A on transcript NM_001458.5 (MANE Select); coding-DNA position 15, C replaced by A.
Protein change: p.Ser5Arg; replaces serine 5 with arginine.
Molecular consequence: missense variant.
Genome position (GRCh38, 1-based): chr7:128,830,652, C>A. VCF-style: chr7-128830652-C-A. GRCh37 (hg19) VCF-style: chr7-128470706-C-A.
Other names: c.15C>A, p.Ser5Arg (NM_001127487.2); short protein forms S5R.
Identifiers: ClinVar variation 539382 (VCV000539382.12), dbSNP rs759632330, ClinGen allele CA4473948.
Genomic context (GRCh38, chr7:128,830,652, plus strand): 5'-CCAAACCGCGGCCCTAGCCCCGGCCGCACCCCCAGCCCGCGCCAGCATGATGAACAACAG[C>A]GGCTACTCAGACGCCGGCCTCGGCCTGGGCGATGAGACAGACGAGATGCCGTCCACGGAG-3'
Protein context (NP_001449.3, residues 1-15): MMNN[Ser5Arg]GYSDAGLGLG

ClinVar aggregate classification (germline): Conflicting classifications of pathogenicity. Review status: criteria provided, conflicting classifications (1 of 4 stars). 3 submissions from 3 submitters: Uncertain significance (2); Likely benign (1). Last evaluated 2026-01-01.

Conditions:
Cardiovascular phenotype. Identifiers: MedGen CN230736.
Distal myopathy with posterior leg and anterior hand involvement. Also called: WILLIAMS DISTAL MYOPATHY. Identifiers: Orphanet 63273, MedGen C3279722, MONDO:0013550, OMIM 614065.
Myofibrillar myopathy 5. Also called: Filaminopathy (type); FILAMINOPATHY, AUTOSOMAL DOMINANT. Identifiers: Orphanet 171445, MedGen C1836050, MONDO:0012289, OMIM 609524.
Hypertrophic cardiomyopathy 26. Also called: Cardiomyopathy, familial hypertrophic, 26. Identifiers: Orphanet 75249, MedGen C4310749, MONDO:0014883, OMIM 617047.

Allele frequency attached by ClinVar (database versions not stated): TOPMed below 0.00001; ExAC 0.00002; gnomAD exomes 0.00005.
gnomAD v4.1: 17 of 1,612,248 alleles (0.0011%); highest among the groups gnomAD compares: Admixed American, 0.018%; no homozygotes.

Submissions (3):

Labcorp Genetics (formerly Invitae), Labcorp
Classification: Likely benign for Distal myopathy with posterior leg and anterior hand involvement; Myofibrillar myopathy 5; Hypertrophic cardiomyopathy 26. Last evaluated: 2026-01-01. Review status: criteria provided, single submitter. Criteria: Invitae Variant Classification Sherloc (09022015). Collection method: clinical testing. Allele origin: germline.

GeneDx
Classification: Uncertain significance. Last evaluated: 2025-02-12. Review status: criteria provided, single submitter. Criteria: GeneDx Variant Classification Process June 2021. Collection method: clinical testing. Allele origin: germline. Affected: yes.
Comment: Identified in a patient with HCM in published literature (PMID: 37466024); In silico analysis indicates that this missense variant does not alter protein structure/function; This variant is associated with the following publications: (PMID: 37466024)

Ambry Genetics
Classification: Uncertain significance for Cardiovascular phenotype. Last evaluated: 2021-03-31. Review status: criteria provided, single submitter. Criteria: Ambry Variant Classification Scheme 2023. Collection method: clinical testing. Allele origin: germline.
Comment: The p.S5R variant (also known as c.15C>A), located in coding exon 1 of the FLNC gene, results from a C to A substitution at nucleotide position 15. The serine at codon 5 is replaced by arginine, an amino acid with dissimilar properties. This amino acid position is well conserved in available vertebrate species. In addition, this alteration is predicted to be tolerated by in silico analysis. Since supporting evidence is limited at this time, the clinical significance of this alteration remains unclear.